The following is an entry in ClinVar:

NM_001079872.2(CUL4B):c.946G>A (p.Ala316Thr)

Gene: CUL4B (cullin 4B; minus strand). Cytogenetic location: Xq24.
Variant type: single nucleotide variant.
Coding change: c.946G>A on transcript NM_001079872.2 (MANE Select); coding-DNA position 946, G replaced by A.
Protein change: p.Ala316Thr; replaces alanine 316 with threonine.
Molecular consequence: missense variant.
Genome position (GRCh38, 1-based): chrX:120,544,618, C>T on the plus strand (G>A on the coding strand, the complement: CUL4B is on the minus strand). VCF-style: chrX-120544618-C-T. GRCh37 (hg19) VCF-style: chrX-119678473-C-T.
Other names: c.961G>A, p.Ala321Thr (NM_001330624.2); c.412G>A, p.Ala138Thr (NM_001369145.1); c.1000G>A, p.Ala334Thr (NM_003588.4); short protein forms A138T, A316T, A321T, A334T.
Identifiers: ClinVar variation 1196655 (VCV001196655.7), dbSNP rs755958060, ClinGen allele CA10505605.
Genomic context (GRCh38, chrX:120,544,618, plus strand): 5'-TCAAGAGAAGAATGCCATCAATTGTCTTATTCTGCACTTTCTGATCACTTATAATATGAG[C>T]CCTAAATAACTCCAGTCCCATGTCCCTAAAATAAAAAACACATATAACCTAAATTAATTG-3'
Protein context (NP_001073341.1, residues 306-326): IWDMGLELFR[Ala316Thr]HIISDQKVQN

ClinVar aggregate classification (germline): Conflicting classifications of pathogenicity. Review status: criteria provided, conflicting classifications (1 of 4 stars). 2 submissions from 2 submitters: Uncertain significance (1); Likely benign (1). Last evaluated 2025-12-17.

Conditions:
CUL4B-related disorder. Also called: CUL4B-related condition.

Allele frequency attached by ClinVar (database versions not stated): ExAC 0.00001; gnomAD exomes 0.00001; gnomAD 0.00002 and 0.00003.
gnomAD v4.1: 14 of 1,205,567 alleles (0.0012%); highest among the groups gnomAD compares: Admixed American, 0.0044%; no homozygotes.

Submissions (2):

PreventionGenetics, part of Exact Sciences
Classification: Uncertain significance for CUL4B-related condition. Last evaluated: 2025-12-17. Review status: criteria provided, single submitter. Criteria: ACMG Guidelines, 2015. Collection method: clinical testing. Allele origin: germline.
Comment: The CUL4B c.1000G>A variant is predicted to result in the amino acid substitution p.Ala334Thr. To our knowledge, this variant has not been reported in the literature. This variant is reported in 0.0037% of alleles in individuals of Latino descent in gnomAD. However, in gnomAD v4 (available only on GRCh38), this variant is reported in 5 hemizygotes, which is likely too frequent to be a primary cause of disease. Although we suspect that this variant may be benign, at this time, the clinical significance of this variant is uncertain due to the absence of conclusive functional and genetic evidence.

GeneDx
Classification: Likely benign. Last evaluated: 2025-07-29. Review status: criteria provided, single submitter. Criteria: GeneDx Variant Classification Process June 2021. Collection method: clinical testing. Allele origin: germline. Affected: yes.
Comment: In silico analysis suggests that this missense variant does not alter protein structure/function; Has not been previously published as pathogenic or benign to our knowledge